The following is an entry in ClinVar:

NM_001042492.3(NF1):c.7359C>T (p.Cys2453=)

Gene: NF1 (neurofibromin 1; plus strand). Cytogenetic location: 17q11.2.
Variant type: single nucleotide variant.
Coding change: c.7359C>T on transcript NM_001042492.3 (MANE Select); coding-DNA position 7359, C replaced by T.
Protein change: p.Cys2453=; no amino-acid change (cysteine 2453 retained).
Molecular consequence: synonymous variant.
Genome position (GRCh38, 1-based): chr17:31,350,220, C>T. VCF-style: chr17-31350220-C-T. GRCh37 (hg19) VCF-style: chr17-29677238-C-T.
Other names: c.7296C>T, p.Cys2432= (NM_000267.4).
Identifiers: ClinVar variation 527667 (VCV000527667.15), dbSNP rs1555536126, ClinGen allele CA499239167.

ClinVar aggregate classification (germline): Conflicting classifications of pathogenicity. Review status: criteria provided, conflicting classifications (1 of 4 stars). 4 submissions from 4 submitters: Uncertain significance (1); Benign (1); Likely benign (2). Last evaluated 2026-05-21.

Conditions:
Hereditary cancer-predisposing syndrome. Also called: Neoplastic Syndromes, Hereditary; Hereditary Cancer Syndrome; Hereditary neoplastic syndrome; Tumor predisposition. Identifiers: Orphanet 140162, MedGen C0027672, MeSH D009386, MONDO:0015356.
Cardiovascular phenotype. Identifiers: MedGen CN230736.
Neurofibromatosis, type 1 (NF1). Also called: Neurofibromatosis, type I; NEUROFIBROMATOSIS, TYPE I, SOMATIC; Peripheral type neurofibromatosis; VON RECKLINGHAUSEN DISEASE. Identifiers: Orphanet 636, MedGen C0027831, MONDO:0018975, OMIM 162200. Disease mechanism: loss of function.

Allele frequency attached by ClinVar (database versions not stated): gnomAD 0.00001; TOPMed 0.00001; gnomAD exomes below 0.00001.
gnomAD v4.1: 4 of 1,613,798 alleles (0.00025%); highest among the groups gnomAD compares: Admixed American, 0.005%; no homozygotes.

Submissions (4):

Myriad Genetics, Inc.
Classification: Benign for Neurofibromatosis, type 1. Last evaluated: 2026-05-21. Review status: criteria provided, single submitter. Criteria: Myriad Autosomal Dominant, Autosomal Recessive and X-Linked Classification Criteria (2023). Collection method: clinical testing. Allele origin: unknown.
Comment: This variant is considered benign. This variant is a silent/synonymous amino acid change and it is not expected to impact splicing.

Labcorp Genetics (formerly Invitae), Labcorp
Classification: Likely benign for Neurofibromatosis, type 1. Last evaluated: 2025-11-23. Review status: criteria provided, single submitter. Criteria: Invitae Variant Classification Sherloc (09022015). Collection method: clinical testing. Allele origin: germline.

Sema4
Classification: Uncertain significance for Hereditary cancer-predisposing syndrome. Last evaluated: 2021-11-29. Review status: criteria provided, single submitter. Criteria: Sema4 Curation Guidelines. Collection method: curation. Allele origin: germline.
Comment: The NF1 c.7296C>T (p.C2432=) variant has not been reported in the literature to our knowledge. It was not observed in the large and broad cohorts of the Genome Aggregation Database (PMID: 32461654). This variant has been reported in ClinVar (Variation ID 527667). The nucleotide is moderately conserved and in silico tools that predict the effect of sequence changes on splicing suggest that this variant may not impact splicing, though these predictions have not been confirmed by functional studies. The evidence is insufficient to meet ACMG/AMP criteria for classifying the variant as benign or pathogenic. Thus, the clinical significance of this variant is currently uncertain.

Ambry Genetics
Classification: Likely benign for Cardiovascular phenotype; Hereditary cancer-predisposing syndrome. Last evaluated: 2017-11-13. Review status: criteria provided, single submitter. Criteria: Ambry Variant Classification Scheme 2023. Collection method: clinical testing. Allele origin: germline.